The following is an entry in ClinVar:

ClinVar aggregate classification (germline): Uncertain significance. Review status: criteria provided, multiple submitters, no conflicts (2 of 4 stars). 2 submissions from 2 submitters: Uncertain significance (2). Last evaluated 2025-10-07.

Conditions:
Hereditary cancer-predisposing syndrome. Also called: Hereditary neoplastic syndrome; Hereditary Cancer Syndrome; Neoplastic Syndromes, Hereditary; Tumor predisposition. Identifiers: Orphanet 140162, MedGen C0027672, MeSH D009386, MONDO:0015356.
Cardiovascular phenotype. Identifiers: MedGen CN230736.

Allele frequency attached by ClinVar (database versions not stated): gnomAD exomes below 0.00001; gnomAD 0.00001.

Submissions (2):

Ambry Genetics
Classification: Uncertain significance for Cardiovascular phenotype; Hereditary cancer-predisposing syndrome. Last evaluated: 2025-10-07. Review status: criteria provided, single submitter. Criteria: Ambry Variant Classification Scheme 2023. Collection method: clinical testing. Allele origin: germline.
Comment: The p.E310K variant (also known as c.928G>A), located in coding exon 9 of the LZTR1 gene, results from a G to A substitution at nucleotide position 928. The glutamic acid at codon 310 is replaced by lysine, an amino acid with similar properties. This amino acid position is conserved. In addition, this alteration is predicted to be deleterious by in silico analysis. Based on the available evidence, the clinical significance of this variant remains unclear.

Labcorp Genetics (formerly Invitae), Labcorp
Classification: Uncertain significance. Last evaluated: 2024-09-21. Review status: criteria provided, single submitter. Criteria: Invitae Variant Classification Sherloc (09022015). Collection method: clinical testing. Allele origin: germline.
Comment: This sequence change replaces glutamic acid, which is acidic and polar, with lysine, which is basic and polar, at codon 310 of the LZTR1 protein (p.Glu310Lys). This variant is present in population databases (no rsID available, gnomAD 0.007%). This variant has not been reported in the literature in individuals affected with LZTR1-related conditions. ClinVar contains an entry for this variant (Variation ID: 1402866). Invitae Evidence Modeling of protein sequence and biophysical properties (such as structural, functional, and spatial information, amino acid conservation, physicochemical variation, residue mobility, and thermodynamic stability) indicates that this missense variant is not expected to disrupt LZTR1 protein function with a negative predictive value of 80%. In summary, the available evidence is currently insufficient to determine the role of this variant in disease. Therefore, it has been classified as a Variant of Uncertain Significance.

NM_006767.4(LZTR1):c.928G>A (p.Glu310Lys)

Gene: LZTR1 (leucine zipper like post translational regulator 1; plus strand). Cytogenetic location: 22q11.21.
Variant type: single nucleotide variant.
Coding change: c.928G>A on transcript NM_006767.4 (MANE Select); coding-DNA position 928, G replaced by A.
Protein change: p.Glu310Lys; replaces glutamic acid 310 with lysine.
Molecular consequence: missense variant.
Genome position (GRCh38, 1-based): chr22:20,991,764, G>A. VCF-style: chr22-20991764-G-A. GRCh37 (hg19) VCF-style: chr22-21346053-G-A.
Other names: c.928G>A (NM_006767.3); short protein forms E310K.
Identifiers: ClinVar variation 1402866 (VCV001402866.10), dbSNP rs1192715554, ClinGen allele CA410781443.